The following is an entry in ClinVar:

ClinVar aggregate classification (germline): Uncertain significance (1 of 4 stars; one submission).

Conditions:
ALG8 congenital disorder of glycosylation. Also called: CONGENITAL DISORDER OF GLYCOSYLATION, TYPE Ih; CDG Ih; ALG8-CDG. Identifiers: Orphanet 79325, MedGen C2931002, MONDO:0011969, OMIM 608104.

gnomAD v4.1: 1 of 1,613,646 alleles (0.000062%); highest among the groups gnomAD compares: Admixed American, 0.0017%; no homozygotes.

Submission:

Labcorp Genetics (formerly Invitae), Labcorp
Classification: Uncertain significance for ALG8 congenital disorder of glycosylation. Last evaluated: 2025-11-19. Review status: criteria provided, single submitter. Criteria: Invitae Variant Classification Sherloc (09022015). Collection method: clinical testing. Allele origin: germline.
Comment: This sequence change replaces glutamine, which is neutral and polar, with glutamic acid, which is acidic and polar, at codon 264 of the ALG8 protein (p.Gln264Glu). This variant is not present in population databases (gnomAD no frequency). This variant has not been reported in the literature in individuals affected with ALG8-related conditions. Invitae Evidence Modeling of protein sequence and biophysical properties (such as structural, functional, and spatial information, amino acid conservation, physicochemical variation, residue mobility, and thermodynamic stability) indicates that this missense variant is not expected to disrupt ALG8 protein function with a negative predictive value of 80%. In summary, the available evidence is currently insufficient to determine the role of this variant in disease. Therefore, it has been classified as a Variant of Uncertain Significance.

NM_024079.5(ALG8):c.790C>G (p.Gln264Glu)

Gene: ALG8 (ALG8 alpha-1,3-glucosyltransferase; minus strand). Cytogenetic location: 11q14.1.
Variant type: single nucleotide variant.
Coding change: c.790C>G on transcript NM_024079.5 (MANE Select); coding-DNA position 790, C replaced by G.
Protein change: p.Gln264Glu; replaces glutamine 264 with glutamic acid.
Molecular consequence: missense variant. On other transcripts: nonsense (1), non-coding transcript variant (2), intron variant (2).
Genome position (GRCh38, 1-based): chr11:78,112,758, G>C on the plus strand (C>G on the coding strand, the complement: ALG8 is on the minus strand). VCF-style: chr11-78112758-G-C. GRCh37 (hg19) VCF-style: chr11-77823804-G-C.
Other names: c.790C>G, p.Gln264Glu (NM_001007027.3, NM_001425221.1, NM_001425222.1 and 8 more transcripts); c.793C>G, p.Gln265Glu (NM_001425219.1); c.775C>G, p.Gln259Glu (NM_001425220.1); c.784C>G, p.Gln262Glu (NM_001425223.1); c.883C>G, p.Gln295Glu (NM_001425224.1); c.637C>G, p.Gln213Glu (NM_001425226.1, NM_001425235.1, NM_001425236.1); c.589C>G, p.Gln197Glu (NM_001425231.1); c.526C>G, p.Gln176Glu (NM_001425234.1, NM_001425239.1); and 5 more; short protein forms Q176E, Q259E, Q265E, S229*, Q213E, Q92E, Q295E, Q197E.
Identifiers: ClinVar variation 4746462 (VCV004746462.1).